The following is an entry in ClinVar:

ClinVar aggregate classification (germline): Benign/Likely benign. Review status: criteria provided, multiple submitters, no conflicts (2 of 4 stars). 10 submissions from 10 submitters: Benign (2); Likely benign (7). 1 of the submissions does not count toward it. Last evaluated 2026-05-01.

Conditions:
Hereditary cancer-predisposing syndrome. Also called: Tumor predisposition; Hereditary Cancer Syndrome; Neoplastic Syndromes, Hereditary; Hereditary neoplastic syndrome. Identifiers: Orphanet 140162, MedGen C0027672, MeSH D009386, MONDO:0015356.
Baller-Gerold syndrome (BGS). Also called: CRANIOSYNOSTOSIS WITH RADIAL DEFECTS. Identifiers: Orphanet 1225, MedGen C0265308, MONDO:0009039, OMIM 218600.

Allele frequency attached by ClinVar (database versions not stated): 1000 Genomes Project 0.00080; 1000 Genomes Project 30x 0.00094; ESP Exome Variant Server 0.00237; gnomAD exomes 0.00256; TOPMed 0.00270; ExAC 0.00272; gnomAD 0.00276.

Submissions (10):

CeGaT Center for Human Genetics Tuebingen
Classification: Likely benign. Last evaluated: 2026-05-01. Review status: criteria provided, single submitter. Criteria: CeGaT Center For Human Genetics Tuebingen Variant Classification Criteria Version 2. Collection method: clinical testing. Allele origin: germline. Affected: yes. Observed: 65 variant alleles.
Comment: RECQL4: BP4, BP7

Labcorp Genetics (formerly Invitae), Labcorp
Classification: Benign for Baller-Gerold syndrome. Last evaluated: 2026-02-04. Review status: criteria provided, single submitter. Criteria: Invitae Variant Classification Sherloc (09022015). Collection method: clinical testing. Allele origin: germline.

Blueprint Genetics
Classification: Likely benign. Last evaluated: 2024-11-20. Review status: criteria provided, single submitter. Criteria: ACMG Guidelines, 2015. Collection method: clinical testing. Allele origin: germline.

Mayo Clinic Laboratories, Mayo Clinic
Classification: Benign. Last evaluated: 2024-08-05. Review status: criteria provided, single submitter. Criteria: ACMG Guidelines, 2015. Collection method: clinical testing. Allele origin: germline. Observed: 2 variant alleles.
Comment: BS1, BS2, BP4, BP7

Sema4
Classification: Likely benign for Hereditary cancer-predisposing syndrome. Last evaluated: 2021-05-28. Review status: criteria provided, single submitter. Criteria: Sema4 Curation Guidelines. Collection method: curation. Allele origin: germline.

GeneDx
Classification: Likely benign. Last evaluated: 2021-03-16. Review status: criteria provided, single submitter. Criteria: GeneDx Variant Classification Process June 2021. Collection method: clinical testing. Allele origin: germline. Affected: yes.
Comment: This variant is associated with the following publications: (PMID: 27247962)

Eurofins Ntd Llc (ga)
Classification: Likely benign. Last evaluated: 2017-12-21. Review status: criteria provided, single submitter. Criteria: EGL Classification Definitions 2015. Collection method: clinical testing. Allele origin: germline. Observed: 1 variant allele, 1 heterozygote.

Breakthrough Genomics
Classification: Likely benign. Review status: criteria provided, single submitter. Criteria: ACMG Guidelines, 2015. Collection method: not provided. Allele origin: germline. Inheritance: Autosomal recessive inheritance. Affected: yes.

PreventionGenetics, part of Exact Sciences
Classification: Likely benign. Review status: criteria provided, single submitter. Criteria: ACMG Guidelines, 2015. Collection method: clinical testing. Allele origin: germline.

Genetic Services Laboratory, University of Chicago
Classification: Likely benign. Last evaluated: 2022-12-13. Review status: no assertion criteria provided. Collection method: clinical testing. Allele origin: germline. Affected: no. Not counted in ClinVar's aggregate classification.

NM_004260.4(RECQL4):c.3609C>T (p.Leu1203=)

Gene: RECQL4 (RecQ like helicase 4; minus strand). Cytogenetic location: 8q24.3.
Variant type: single nucleotide variant.
Coding change: c.3609C>T on transcript NM_004260.4 (MANE Select); coding-DNA position 3609, C replaced by T.
Protein change: p.Leu1203=; no amino-acid change (leucine 1203 retained).
Molecular consequence: synonymous variant.
Genome position (GRCh38, 1-based): chr8:144,511,449, G>A on the plus strand (C>T on the coding strand, the complement: RECQL4 is on the minus strand). VCF-style: chr8-144511449-G-A. GRCh37 (hg19) VCF-style: chr8-145736832-G-A.
Other names: p.Leu1203=.
Identifiers: ClinVar variation 239770 (VCV000239770.63), dbSNP rs201384843, ClinGen allele CA4947626.